The following is an entry in ClinVar:

NM_020232.5(PSMG2):c.289-28C>A

Gene: PSMG2 (proteasome assembly chaperone 2; plus strand). Cytogenetic location: 18p11.21.
Variant type: single nucleotide variant.
Coding change: c.289-28C>A on transcript NM_020232.5 (MANE Select); 28 bases into the intron before coding-DNA position 289, C replaced by A.
Molecular consequence: intron variant.
Genome position (GRCh38, 1-based): chr18:12,718,489, C>A. VCF-style: chr18-12718489-C-A. GRCh37 (hg19) VCF-style: chr18-12718488-C-A.
Other names: c.196-28C>A (NM_147163.2).
Identifiers: ClinVar variation 3341559 (VCV003341559.16).

ClinVar aggregate classification (germline): Benign (1 of 4 stars; one submission).

gnomAD v4.1: 4,044 of 1,434,666 alleles (0.28%); highest among the groups gnomAD compares: Middle Eastern, 1.9%; 36 homozygotes.

Submission:

CeGaT Center for Human Genetics Tuebingen
Classification: Benign. Last evaluated: 2026-08-01. Review status: criteria provided, single submitter. Criteria: CeGaT Center For Human Genetics Tuebingen Variant Classification Criteria Version 2. Collection method: clinical testing. Allele origin: germline. Affected: yes. Observed: 6 variant alleles.
Comment: PSMG2: BS1, BS2